The following is an entry in ClinVar:

NM_004560.4(ROR2):c.1468G>C (p.Gly490Arg)

Gene: ROR2 (receptor tyrosine kinase like orphan receptor 2; minus strand). Cytogenetic location: 9q22.31.
Variant type: single nucleotide variant.
Coding change: c.1468G>C on transcript NM_004560.4 (MANE Select); coding-DNA position 1468, G replaced by C.
Protein change: p.Gly490Arg; replaces glycine 490 with arginine.
Molecular consequence: missense variant.
Genome position (GRCh38, 1-based): chr9:91,725,026, C>G on the plus strand (G>C on the coding strand, the complement: ROR2 is on the minus strand). VCF-style: chr9-91725026-C-G. GRCh37 (hg19) VCF-style: chr9-94487308-C-G.
Other names: short protein forms G490R.
Identifiers: ClinVar variation 4742627 (VCV004742627.1).

ClinVar aggregate classification (germline): Uncertain significance (1 of 4 stars; one submission).

Submission:

Labcorp Genetics (formerly Invitae), Labcorp
Classification: Uncertain significance. Last evaluated: 2025-05-19. Review status: criteria provided, single submitter. Criteria: Invitae Variant Classification Sherloc (09022015). Collection method: clinical testing. Allele origin: germline.
Comment: This sequence change replaces glycine, which is neutral and non-polar, with arginine, which is basic and polar, at codon 490 of the ROR2 protein (p.Gly490Arg). This variant is not present in population databases (gnomAD no frequency). This variant has not been reported in the literature in individuals affected with ROR2-related conditions. Invitae Evidence Modeling of protein sequence and biophysical properties (such as structural, functional, and spatial information, amino acid conservation, physicochemical variation, residue mobility, and thermodynamic stability) indicates that this missense variant is expected to disrupt ROR2 protein function with a positive predictive value of 80%. In summary, the available evidence is currently insufficient to determine the role of this variant in disease. Therefore, it has been classified as a Variant of Uncertain Significance.